The following is an entry in ClinVar:

NM_144573.4(NEXN):c.1055T>C (p.Val352Ala)

Gene: NEXN (nexilin F-actin binding protein; plus strand). Cytogenetic location: 1p31.1.
Variant type: single nucleotide variant.
Coding change: c.1055T>C on transcript NM_144573.4 (MANE Select); coding-DNA position 1055, T replaced by C.
Protein change: p.Val352Ala; replaces valine 352 with alanine.
Molecular consequence: missense variant.
Genome position (GRCh38, 1-based): chr1:77,933,283, T>C. VCF-style: chr1-77933283-T-C. GRCh37 (hg19) VCF-style: chr1-78398968-T-C.
Other names: c.863T>C, p.Val288Ala (NM_001172309.2); short protein forms V288A, V352A.
Identifiers: ClinVar variation 662435 (VCV000662435.9), dbSNP rs1040085867, ClinGen allele CA24684063.
Genomic context (GRCh38, chr1:77,933,283, plus strand): 5'-TAGTCCCTTTTTAGTATGTGTAATTCTGGCCAGAGTGATAAAATAATTATTTTAAATAGG[T>C]AGTAGATGATGACTCCCCAGAGATGTATAAGACAATCTCTCAAGAATTTCTTACACCGGG-3'
Protein context (NP_653174.3, residues 342-362): KAFAEARRNM[Val352Ala]VDDDSPEMYK

ClinVar aggregate classification (germline): Uncertain significance. Review status: criteria provided, multiple submitters, no conflicts (2 of 4 stars). 3 submissions from 3 submitters: Uncertain significance (3). Last evaluated 2025-12-13.

Conditions:
Cardiovascular phenotype. Identifiers: MedGen CN230736.
Dilated cardiomyopathy 1CC (CMD1CC). Identifiers: Orphanet 154, MedGen C2751084, MONDO:0013147, OMIM 613122.
Hypertrophic cardiomyopathy 20. Identifiers: MedGen C3151267, MONDO:0013477, OMIM 613876.

Allele frequency attached by ClinVar (database versions not stated): gnomAD exomes below 0.00001.
gnomAD v4.1: 5 of 1,545,998 alleles (0.00032%); highest among the groups gnomAD compares: Non-Finnish European, 0.00027%; no homozygotes.

Submissions (3):

Labcorp Genetics (formerly Invitae), Labcorp
Classification: Uncertain significance for Dilated cardiomyopathy 1CC; Hypertrophic cardiomyopathy 20. Last evaluated: 2025-12-13. Review status: criteria provided, single submitter. Criteria: Invitae Variant Classification Sherloc (09022015). Collection method: clinical testing. Allele origin: germline.
Comment: This sequence change replaces valine, which is neutral and non-polar, with alanine, which is neutral and non-polar, at codon 352 of the NEXN protein (p.Val352Ala). The frequency data for this variant in the population databases is considered unreliable, as metrics indicate poor data quality at this position in the gnomAD database. This variant has not been reported in the literature in individuals affected with NEXN-related conditions. ClinVar contains an entry for this variant (Variation ID: 662435). An algorithm developed to predict the effect of missense changes on protein structure and function outputs the following: PolyPhen-2: "Benign". The alanine amino acid residue is found in multiple mammalian species, which suggests that this missense change does not adversely affect protein function. In summary, the available evidence is currently insufficient to determine the role of this variant in disease. Therefore, it has been classified as a Variant of Uncertain Significance.

Ambry Genetics
Classification: Uncertain significance for Cardiovascular phenotype. Last evaluated: 2022-08-20. Review status: criteria provided, single submitter. Criteria: Ambry Variant Classification Scheme 2023. Collection method: clinical testing. Allele origin: germline.
Comment: The p.V352A variant (also known as c.1055T>C), located in coding exon 9 of the NEXN gene, results from a T to C substitution at nucleotide position 1055. The valine at codon 352 is replaced by alanine, an amino acid with similar properties. This amino acid position is conserved. In addition, this alteration is predicted to be tolerated by in silico analysis. Since supporting evidence is limited at this time, the clinical significance of this alteration remains unclear.

Fulgent Genetics
Classification: Uncertain significance for Dilated cardiomyopathy 1CC; Hypertrophic cardiomyopathy 20. Last evaluated: 2021-07-16. Review status: criteria provided, single submitter. Criteria: ACMG Guidelines, 2015. Collection method: clinical testing. Allele origin: unknown.